The following is an entry in ClinVar:

ClinVar aggregate classification (germline): Uncertain significance. Review status: criteria provided, multiple submitters, no conflicts (2 of 4 stars). 2 submissions from 2 submitters: Uncertain significance (2). Last evaluated 2026-01-14.

Allele frequency attached by ClinVar (database versions not stated): gnomAD 0.00001.
gnomAD v4.1: 15 of 1,487,882 alleles (0.001%); highest among the groups gnomAD compares: Admixed American, 0.0022%; no homozygotes.

Submissions (2):

Women's Health and Genetics/Laboratory Corporation of America, LabCorp
Classification: Uncertain significance. Last evaluated: 2026-01-14. Review status: criteria provided, single submitter. Criteria: LabCorp Variant Classification Summary - May 2015. Collection method: clinical testing. Allele origin: germline.
Comment: Variant summary: HEPACAM c.1180A>G (p.Thr394Ala) results in a non-conservative amino acid change in the encoded protein sequence. Algorithms developed to predict the effect of missense changes on protein structure and function are either unavailable or do not agree on the potential impact of this missense change. The variant allele was found at a frequency of 1e-05 in 1482698 control chromosomes in the gnomAD database (v4.1 dataset). This frequency is not significantly higher than estimated for disease-causing variants in HEPACAM, allowing no conclusion about variant significance. To our knowledge, no occurrence of c.1180A>G in individuals affected with HEPACAM-related conditions and no experimental evidence demonstrating its impact on protein function have been reported. ClinVar contains an entry for this variant (Variation ID: 1304045). Based on the evidence outlined above, the variant was classified as uncertain significance.

GeneDx
Classification: Uncertain significance. Last evaluated: 2020-12-09. Review status: criteria provided, single submitter. Criteria: GeneDx Variant Classification Process June 2021. Collection method: clinical testing. Allele origin: germline. Affected: yes.
Comment: In silico analysis supports that this missense variant does not alter protein structure/function; Has not been previously published as pathogenic or benign to our knowledge

NM_152722.5(HEPACAM):c.1180A>G (p.Thr394Ala)

Gene: HEPACAM (hepatic and glial cell adhesion molecule; minus strand). Cytogenetic location: 11q24.2.
Variant type: single nucleotide variant.
Coding change: c.1180A>G on transcript NM_152722.5 (MANE Select); coding-DNA position 1180, A replaced by G.
Protein change: p.Thr394Ala; replaces threonine 394 with alanine.
Molecular consequence: missense variant.
Genome position (GRCh38, 1-based): chr11:124,921,209, T>C on the plus strand (A>G on the coding strand, the complement: HEPACAM is on the minus strand). VCF-style: chr11-124921209-T-C. GRCh37 (hg19) VCF-style: chr11-124791105-T-C.
Other names: short protein forms T394A.
Identifiers: ClinVar variation 1304045 (VCV001304045.3), dbSNP rs1190855184, ClinGen allele CA383137283.